The following is an entry in ClinVar:

ClinVar aggregate classification (germline): Uncertain significance (1 of 4 stars; one submission).

gnomAD v4.1: 6 of 1,505,242 alleles (0.0004%); highest among the groups gnomAD compares: Non-Finnish European, 0.00053%; no homozygotes.

Submission:

Ambry Genetics
Classification: Uncertain significance. Last evaluated: 2026-02-28. Review status: criteria provided, single submitter. Criteria: Ambry Variant Classification Scheme 2023. Collection method: clinical testing. Allele origin: germline.
Comment: The p.E1902K variant (also known as c.5704G>A), located in coding exon 22 of the WNK2 gene, results from a G to A substitution at nucleotide position 5704. The glutamic acid at codon 1902 is replaced by lysine, an amino acid with similar properties. This amino acid position is conserved. In addition, this alteration is predicted to be deleterious by in silico analysis. Based on the available evidence, the clinical significance of this variant remains unclear.

NM_006648.4(WNK2):c.5704G>A (p.Glu1902Lys)

Gene: WNK2 (WNK lysine deficient protein kinase 2; plus strand). Cytogenetic location: 9q22.31.
Variant type: single nucleotide variant.
Coding change: c.5704G>A on transcript NM_006648.4 (MANE Select); coding-DNA position 5704, G replaced by A.
Protein change: p.Glu1902Lys; replaces glutamic acid 1902 with lysine.
Molecular consequence: missense variant.
Genome position (GRCh38, 1-based): chr9:93,293,169, G>A. VCF-style: chr9-93293169-G-A. GRCh37 (hg19) VCF-style: chr9-96055451-G-A.
Other names: c.5815G>A, p.Glu1939Lys (NM_001282394.3); short protein forms E1902K, E1939K.
Identifiers: ClinVar variation 4826225 (VCV004826225.1).